The following is an entry in ClinVar:

ClinVar aggregate classification (germline): Pathogenic (1 of 4 stars; one submission).

Conditions:
Adams-Oliver syndrome 5 (AOS5). Identifiers: Orphanet 974, MedGen C4014970, MONDO:0014459, OMIM 616028.

Submission:

Labcorp Genetics (formerly Invitae), Labcorp
Classification: Pathogenic for Adams-Oliver syndrome 5. Last evaluated: 2020-10-14. Review status: criteria provided, single submitter. Criteria: Invitae Variant Classification Sherloc (09022015). Collection method: clinical testing. Allele origin: unknown.
Comment: For these reasons, this variant has been classified as Pathogenic. Loss-of-function variants in NOTCH1 are known to be pathogenic (PMID: 16025100, 21457232, 25132448, 25963545). This variant has not been reported in the literature in individuals with NOTCH1-related conditions. This variant results in the deletion of exons 1-33 and part of exon 34 (c.-91329_6989del) of the NOTCH1 gene. This is expected to result in an absent or disrupted protein product.

Literature cited by the submitters: PubMed 16025100; PubMed 21457232; PubMed 25132448; PubMed 25963545.

NC_000009.11:g.(?_139391202)_(139531567_?)del

Gene: NOTCH1 (notch receptor 1; minus strand). Cytogenetic location: 9q34.3.
Variant type: Deletion.
Identifiers: ClinVar variation 3245274 (VCV003245274.1).